The following is an entry in ClinVar:

ClinVar aggregate classification (germline): Uncertain significance (1 of 4 stars; one submission).

Conditions:
Cardiovascular phenotype. Identifiers: MedGen CN230736.

Submission:

Ambry Genetics
Classification: Uncertain significance for Cardiovascular phenotype. Last evaluated: 2026-03-29. Review status: criteria provided, single submitter. Criteria: Ambry Variant Classification Scheme 2023. Collection method: clinical testing. Allele origin: germline.
Comment: The p.L1336F variant (also known as c.4008G>C), located in coding exon 2 of the ZNF469 gene, results from a G to C substitution at nucleotide position 4008. The leucine at codon 1336 is replaced by phenylalanine, an amino acid with highly similar properties. This amino acid position is conserved. In addition, this alteration is predicted to be tolerated by in silico analysis. Based on the available evidence, the clinical significance of this variant remains unclear.

NM_001367624.2(ZNF469):c.4092G>C (p.Leu1364Phe)

Gene: ZNF469 (zinc finger protein 469; plus strand). Cytogenetic location: 16q24.2.
Variant type: single nucleotide variant.
Coding change: c.4092G>C on transcript NM_001367624.2 (MANE Select); coding-DNA position 4092, G replaced by C.
Protein change: p.Leu1364Phe; replaces leucine 1364 with phenylalanine.
Molecular consequence: missense variant.
Genome position (GRCh38, 1-based): chr16:88,431,562, G>C. VCF-style: chr16-88431562-G-C. GRCh37 (hg19) VCF-style: chr16-88497970-G-C.
Other names: NM_001127464.1:c.4008G>C; short protein forms L1364F.
Identifiers: ClinVar variation 4866976 (VCV004866976.1).